The following is an entry in ClinVar:

NM_000180.4(GUCY2D):c.964C>T (p.Leu322=)

Gene: GUCY2D (guanylate cyclase 2D, retinal; plus strand). Cytogenetic location: 17p13.1.
Variant type: single nucleotide variant.
Coding change: c.964C>T on transcript NM_000180.4 (MANE Select); coding-DNA position 964, C replaced by T.
Protein change: p.Leu322=; no amino-acid change (leucine 322 retained).
Molecular consequence: synonymous variant.
Genome position (GRCh38, 1-based): chr17:8,004,094, C>T. VCF-style: chr17-8004094-C-T. GRCh37 (hg19) VCF-style: chr17-7907412-C-T.
Identifiers: ClinVar variation 866046 (VCV000866046.6), dbSNP rs563208176, ClinGen allele CA8365606.

ClinVar aggregate classification (germline): Likely benign. Review status: criteria provided, multiple submitters, no conflicts (2 of 4 stars). 3 submissions from 3 submitters: Likely benign (3). Last evaluated 2026-02-22.

Conditions:
GUCY2D-related disorder. Also called: GUCY2D-related condition.
Leber congenital amaurosis 1 (LCA1). Also called: AMAUROSIS CONGENITA OF LEBER I; Congenital absence of the rods and cones; Leber's congenital tapetoretinal degeneration; Leber's congenital tapetoretinal dysplasia; RETINAL BLINDNESS, CONGENITAL. Identifiers: Orphanet 65, MedGen C2931258, MONDO:0008764, OMIM 204000.
Cone-rod dystrophy 6 (CORD6). Also called: Cone dystrophy progressive; RETINAL CONE DYSTROPHY 2. Identifiers: Orphanet 1872, MedGen C1866293, MONDO:0011143, OMIM 601777.

Allele frequency attached by ClinVar (database versions not stated): gnomAD below 0.00001 and 0.00002; gnomAD exomes 0.00004 and 0.00009; ExAC 0.00010; 1000 Genomes Project 0.00020; 1000 Genomes Project 30x 0.00031.
gnomAD v4.1: 61 of 1,603,278 alleles (0.0038%); highest among the groups gnomAD compares: South Asian, 0.065%; 1 homozygote.

Submissions (3):

PreventionGenetics, part of Exact Sciences
Classification: Likely benign for GUCY2D-related condition. Last evaluated: 2026-02-22. Review status: criteria provided, single submitter. Criteria: ACMG Guidelines, 2015. Collection method: clinical testing. Allele origin: germline.
Comment: This variant is classified as likely benign based on ACMG/AMP sequence variant interpretation guidelines (Richards et al. 2015 PMID: 25741868, with internal and published modifications).

Blueprint Genetics
Classification: Likely benign. Last evaluated: 2024-05-06. Review status: criteria provided, single submitter. Criteria: ACMG Guidelines, 2015. Collection method: clinical testing. Allele origin: germline.

Labcorp Genetics (formerly Invitae), Labcorp
Classification: Likely benign for Leber congenital amaurosis 1; Cone-rod dystrophy 6. Last evaluated: 2024-02-01. Review status: criteria provided, single submitter. Criteria: Invitae Variant Classification Sherloc (09022015). Collection method: clinical testing. Allele origin: germline.